The following is an entry in ClinVar:

NM_144596.4(TTC8):c.266-4C>T

Gene: TTC8 (tetratricopeptide repeat domain 8; plus strand). Cytogenetic location: 14q31.3.
Variant type: single nucleotide variant.
Coding change: c.266-4C>T on transcript NM_144596.4 (MANE Select); 4 bases into the intron before coding-DNA position 266, C replaced by T.
Molecular consequence: intron variant.
Genome position (GRCh38, 1-based): chr14:88,840,861, C>T. VCF-style: chr14-88840861-C-T. GRCh37 (hg19) VCF-style: chr14-89307205-C-T.
Other names: c.-327-4C>T (NM_001288782.1); c.236-4C>T (NM_001288781.1, NM_198309.3, NM_198310.3 and 2 more transcripts); c.-422-4C>T (NM_001288783.1).
Identifiers: ClinVar variation 3349895 (VCV003349895.1).

ClinVar aggregate classification (germline): Likely benign (0 of 4 stars; one submission).

Conditions:
TTC8-related disorder. Also called: TTC8-related condition.

Submission:

PreventionGenetics, part of Exact Sciences
Classification: Likely benign for TTC8-related condition. Last evaluated: 2023-09-05. Review status: no assertion criteria provided. Collection method: clinical testing. Allele origin: germline.
Comment: This variant is classified as likely benign based on ACMG/AMP sequence variant interpretation guidelines (Richards et al. 2015 PMID: 25741868, with internal and published modifications).